The following is an entry in ClinVar:

ClinVar aggregate classification (germline): Uncertain significance (1 of 4 stars; one submission).

Conditions:
Nemaline myopathy 2 (NEM2). Also called: Nemaline myopathy 2, autosomal recessive. Identifiers: MedGen C1850569, MONDO:0009725, OMIM 256030.

Allele frequency attached by ClinVar (database versions not stated): TOPMed below 0.00001.

Submission:

Labcorp Genetics (formerly Invitae), Labcorp
Classification: Uncertain significance for Nemaline myopathy 2. Last evaluated: 2022-06-14. Review status: criteria provided, single submitter. Criteria: Invitae Variant Classification Sherloc (09022015). Collection method: clinical testing. Allele origin: germline.
Comment: This sequence change replaces leucine, which is neutral and non-polar, with valine, which is neutral and non-polar, at codon 2316 of the NEB protein (p.Leu2316Val). This variant is not present in population databases (gnomAD no frequency). This variant has not been reported in the literature in individuals affected with NEB-related conditions. Algorithms developed to predict the effect of missense changes on protein structure and function output the following: SIFT: "Deleterious"; PolyPhen-2: "Not Available"; Align-GVGD: "Class C0". The valine amino acid residue is found in multiple mammalian species, which suggests that this missense change does not adversely affect protein function. In summary, the available evidence is currently insufficient to determine the role of this variant in disease. Therefore, it has been classified as a Variant of Uncertain Significance.

NM_001164508.2(NEB):c.6946C>G (p.Leu2316Val)

Gene: NEB (nebulin; minus strand). Cytogenetic location: 2q23.3.
Variant type: single nucleotide variant.
Coding change: c.6946C>G on transcript NM_001164508.2 (MANE Select); coding-DNA position 6946, C replaced by G.
Protein change: p.Leu2316Val; replaces leucine 2316 with valine.
Molecular consequence: missense variant.
Genome position (GRCh38, 1-based): chr2:151,650,855, G>C on the plus strand (C>G on the coding strand, the complement: NEB is on the minus strand). VCF-style: chr2-151650855-G-C. GRCh37 (hg19) VCF-style: chr2-152507369-G-C.
Other names: c.6946C>G, p.Leu2316Val (NM_001164507.2, NM_001271208.2, NM_004543.5); short protein forms L2316V.
Identifiers: ClinVar variation 1952809 (VCV001952809.2), dbSNP rs1422103321, ClinGen allele CA348791303.